The following is an entry in ClinVar:

ClinVar aggregate classification (germline): Uncertain significance. Review status: criteria provided, multiple submitters, no conflicts (2 of 4 stars). 2 submissions from 2 submitters: Uncertain significance (2). Last evaluated 2025-09-04.

Conditions:
Spastic paraplegia. Identifiers: MedGen C0037772, HP:0001258.

Allele frequency attached by ClinVar (database versions not stated): TOPMed below 0.00001; gnomAD 0.00001.
gnomAD v4.1: 1 of 1,613,954 alleles (0.000062%); highest among the groups gnomAD compares: Admixed American, 0.0017%; no homozygotes.

Submissions (2):

Women's Health and Genetics/Laboratory Corporation of America, LabCorp
Classification: Uncertain significance. Last evaluated: 2025-09-04. Review status: criteria provided, single submitter. Criteria: LabCorp Variant Classification Summary - May 2015. Collection method: clinical testing. Allele origin: germline.
Comment: Variant summary: SLC33A1 c.491G>A (p.Arg164His) results in a non-conservative amino acid change in the encoded protein sequence. Algorithms developed to predict the effect of missense changes on protein structure and function are either unavailable or do not agree on the potential impact of this missense change. The variant was absent in 251452 control chromosomes. The available data on variant occurrences in the general population are insufficient to allow any conclusion about variant significance. To our knowledge, no occurrence of c.491G>A in individuals affected with SLC33A1-related conditions and no experimental evidence demonstrating its impact on protein function have been reported. ClinVar contains an entry for this variant (Variation ID: 948673). Based on the evidence outlined above, the variant was classified as uncertain significance.

Labcorp Genetics (formerly Invitae), Labcorp
Classification: Uncertain significance for Spastic paraplegia. Last evaluated: 2024-01-15. Review status: criteria provided, single submitter. Criteria: Invitae Variant Classification Sherloc (09022015). Collection method: clinical testing. Allele origin: germline.
Comment: This sequence change replaces arginine, which is basic and polar, with histidine, which is basic and polar, at codon 164 of the SLC33A1 protein (p.Arg164His). This variant is not present in population databases (gnomAD no frequency). This variant has not been reported in the literature in individuals affected with SLC33A1-related conditions. ClinVar contains an entry for this variant (Variation ID: 948673). Advanced modeling of protein sequence and biophysical properties (such as structural, functional, and spatial information, amino acid conservation, physicochemical variation, residue mobility, and thermodynamic stability) performed at Invitae indicates that this missense variant is not expected to disrupt SLC33A1 protein function with a negative predictive value of 80%. In summary, the available evidence is currently insufficient to determine the role of this variant in disease. Therefore, it has been classified as a Variant of Uncertain Significance.

NM_004733.4(SLC33A1):c.491G>A (p.Arg164His)

Gene: SLC33A1 (solute carrier family 33 member 1; minus strand). Cytogenetic location: 3q25.31.
Variant type: single nucleotide variant.
Coding change: c.491G>A on transcript NM_004733.4 (MANE Select); coding-DNA position 491, G replaced by A.
Protein change: p.Arg164His; replaces arginine 164 with histidine.
Molecular consequence: missense variant.
Genome position (GRCh38, 1-based): chr3:155,853,507, C>T on the plus strand (G>A on the coding strand, the complement: SLC33A1 is on the minus strand). VCF-style: chr3-155853507-C-T. GRCh37 (hg19) VCF-style: chr3-155571296-C-T.
Other names: c.491G>A, p.Arg164His (NM_001190992.2, NM_001363883.1); short protein forms R164H.
Identifiers: ClinVar variation 948673 (VCV000948673.10), dbSNP rs1394665239, ClinGen allele CA355143497.
Genomic context (GRCh38, chr3:155,853,507, plus strand): 5'-AAGAACGCCACAGTGAGAGCAATCACGTCGGGTGTTCTGTCATCGGTATTCCCAAGCAAA[C>T]GGTCCACCTGAGTGGATAAATAGATCATGAAGAGTCCTAGTATATACTGTGTCGGGACAA-3'
Protein context (NP_004724.1, residues 154-174): FMIYLSTQVD[Arg164His]LLGNTDDRTP